The following is an entry in ClinVar:

NM_006389.5(HYOU1):c.1366G>C (p.Glu456Gln)

Gene: HYOU1 (hypoxia up-regulated 1; minus strand). Cytogenetic location: 11q23.3.
Variant type: single nucleotide variant.
Coding change: c.1366G>C on transcript NM_006389.5 (MANE Select); coding-DNA position 1366, G replaced by C.
Protein change: p.Glu456Gln; replaces glutamic acid 456 with glutamine.
Molecular consequence: missense variant.
Genome position (GRCh38, 1-based): chr11:119,051,598, C>G on the plus strand (G>C on the coding strand, the complement: HYOU1 is on the minus strand). VCF-style: chr11-119051598-C-G. GRCh37 (hg19) VCF-style: chr11-118922310-C-G.
Other names: c.1366G>C, p.Glu456Gln (NM_001130991.3); short protein forms E456Q.
Identifiers: ClinVar variation 1379643 (VCV001379643.6), dbSNP rs2134694912, ClinGen allele CA382938294.

ClinVar aggregate classification (germline): Uncertain significance (1 of 4 stars; one submission).

Submission:

Labcorp Genetics (formerly Invitae), Labcorp
Classification: Uncertain significance. Last evaluated: 2024-02-20. Review status: criteria provided, single submitter. Criteria: Invitae Variant Classification Sherloc (09022015). Collection method: clinical testing. Allele origin: germline.
Comment: This sequence change replaces glutamic acid with glutamine at codon 456 of the HYOU1 protein (p.Glu456Gln). The glutamic acid residue is moderately conserved and there is a small physicochemical difference between glutamic acid and glutamine. This variant is not present in population databases (gnomAD no frequency). This variant has not been reported in the literature in individuals affected with HYOU1-related conditions. ClinVar contains an entry for this variant (Variation ID: 1379643). An algorithm developed to predict the effect of missense changes on protein structure and function (PolyPhen-2) suggests that this variant is likely to be disruptive. In summary, the available evidence is currently insufficient to determine the role of this variant in disease. Therefore, it has been classified as a Variant of Uncertain Significance.